The following is an entry in ClinVar:

ClinVar aggregate classification (germline): Uncertain significance. Review status: criteria provided, multiple submitters, no conflicts (2 of 4 stars). 2 submissions from 2 submitters: Uncertain significance (2). Last evaluated 2023-11-30.

Conditions:
Familial thoracic aortic aneurysm and aortic dissection (TAAD). Also called: Thoracic aortic aneurysms and dissections. Identifiers: Orphanet 91387, MedGen C4707243, MONDO:0019625.
Ehlers-Danlos syndrome, type 4 (EDSVASC). Also called: Ehlers-Danlos Syndrome Type IV; Ehlers-Danlos syndrome vascular type; Ehlers Danlos syndrome, ecchymotic type; Ehlers Danlos syndrome, arterial type; Ehlers Danlos syndrome, Sack-Barabas type. Identifiers: Orphanet 286, MedGen C0268338, MONDO:0017314, OMIM 130050.

Allele frequency attached by ClinVar (database versions not stated): gnomAD exomes below 0.00001; gnomAD 0.00001; TOPMed 0.00002.
gnomAD v4.1: 2 of 1,613,952 alleles (0.00012%); highest among the groups gnomAD compares: East Asian, 0.0022%; no homozygotes.

Submissions (2):

All of Us Research Program, National Institutes of Health
Classification: Uncertain significance for Ehlers-Danlos syndrome, type 4. Last evaluated: 2023-11-30. Review status: criteria provided, single submitter. Criteria: ACMG Guidelines, 2015. Collection method: clinical testing. Allele origin: germline. Inheritance: Autosomal dominant inheritance. Observed: 2 variant alleles, 2 heterozygotes.
Comment: Variant of Uncertain Significance due to insufficient evidence: This missense variant is located in the signal peptide sequence of the COL3A1 protein. Computational prediction tools and conservation analyses are inconclusive regarding the impact of this variant on the protein function. Computational splicing tools suggest that this variant may not impact RNA splicing. To our knowledge, functional assays have not been performed for this variant nor has this variant been reported in individuals affected with cardiovascular disorders in the literature. This variant is rare in the general population and has been identified in 0/277264 chromosomes by the Genome Aggregation Database (gnomAD). Available evidence is insufficient to determine the role of this variant in disease conclusively.

This study involves interpretation of variants in research participants for the purpose of population health screening. Participant phenotype was not available at the time of variant classification. Additional details can be found in publication PMID: 35346344, PMCID: PMC8962531

Color Diagnostics, LLC DBA Color Health
Classification: Uncertain significance for Familial thoracic aortic aneurysm and aortic dissection. Last evaluated: 2023-06-07. Review status: criteria provided, single submitter. Criteria: ACMG Guidelines, 2015. Collection method: clinical testing. Allele origin: germline.
Comment: This missense variant replaces alanine with glycine at codon 14 of the COL3A1 protein. Computational prediction suggests that this variant may not impact protein structure and function (internally defined REVEL score threshold <= 0.5, PMID: 27666373). To our knowledge, functional studies have not been reported for this variant. This variant has not been reported in individuals affected with COL3A1-related disorders in the literature. This variant has not been identified in the general population by the Genome Aggregation Database (gnomAD). The available evidence is insufficient to determine the role of this variant in disease conclusively. Therefore, this variant is classified as a Variant of Uncertain Significance.

NM_000090.4(COL3A1):c.41C>G (p.Ala14Gly)

Gene: COL3A1 (collagen type III alpha 1 chain; plus strand). Cytogenetic location: 2q32.2.
Variant type: single nucleotide variant.
Coding change: c.41C>G on transcript NM_000090.4 (MANE Select); coding-DNA position 41, C replaced by G.
Protein change: p.Ala14Gly; replaces alanine 14 with glycine.
Molecular consequence: missense variant.
Genome position (GRCh38, 1-based): chr2:188,974,530, C>G. VCF-style: chr2-188974530-C-G. GRCh37 (hg19) VCF-style: chr2-189839256-C-G.
Other names: short protein forms A14G.
Identifiers: ClinVar variation 920739 (VCV000920739.6), dbSNP rs1231364424, ClinGen allele CA349845424.